The following is an entry in ClinVar:

NM_001042492.3(NF1):c.7279G>C (p.Asp2427His)

Gene: NF1 (neurofibromin 1; plus strand). Cytogenetic location: 17q11.2.
Variant type: single nucleotide variant.
Coding change: c.7279G>C on transcript NM_001042492.3 (MANE Select); coding-DNA position 7279, G replaced by C.
Protein change: p.Asp2427His; replaces aspartic acid 2427 with histidine.
Molecular consequence: missense variant.
Genome position (GRCh38, 1-based): chr17:31,349,209, G>C. VCF-style: chr17-31349209-G-C. GRCh37 (hg19) VCF-style: chr17-29676227-G-C.
Other names: c.7216G>C, p.Asp2406His (NM_000267.4); short protein forms D2406H, D2427H.
Identifiers: ClinVar variation 826911 (VCV000826911.5), dbSNP rs1230353186, ClinGen allele CA399016836.

ClinVar aggregate classification (germline): Uncertain significance (1 of 4 stars; one submission).

Conditions:
Hereditary cancer-predisposing syndrome. Also called: Neoplastic Syndromes, Hereditary; Tumor predisposition; Hereditary neoplastic syndrome; Hereditary Cancer Syndrome. Identifiers: Orphanet 140162, MedGen C0027672, MeSH D009386, MONDO:0015356.
Cardiovascular phenotype. Identifiers: MedGen CN230736.

Allele frequency attached by ClinVar (database versions not stated): gnomAD exomes below 0.00001.
gnomAD v4.1: 1 of 1,613,466 alleles (0.000062%); highest among the groups gnomAD compares: Non-Finnish European, 0.000085%; no homozygotes.

Submission:

Ambry Genetics
Classification: Uncertain significance for Cardiovascular phenotype; Hereditary cancer-predisposing syndrome. Last evaluated: 2025-05-28. Review status: criteria provided, single submitter. Criteria: Ambry Variant Classification Scheme 2023. Collection method: clinical testing. Allele origin: germline.
Comment: The p.D2406H variant (also known as c.7216G>C), located in coding exon 48 of the NF1 gene, results from a G to C substitution at nucleotide position 7216. The aspartic acid at codon 2406 is replaced by histidine, an amino acid with similar properties. This amino acid position is highly conserved in available vertebrate species. In addition, the in silico prediction for this alteration is inconclusive. Based on the available evidence, the clinical significance of this variant remains unclear.